The following is an entry in ClinVar:

NM_030753.5(WNT3):c.511G>C (p.Glu171Gln)

Genes: LRRC37A2 (leucine rich repeat containing 37 member A2), WNT3 (Wnt family member 3; minus strand). Cytogenetic location: 17q21.31.
Variant type: single nucleotide variant.
Coding change: c.511G>C on transcript NM_030753.5 (MANE Select); coding-DNA position 511, G replaced by C.
Protein change: p.Glu171Gln; replaces glutamic acid 171 with glutamine.
Molecular consequence: missense variant.
Genome position (GRCh38, 1-based): chr17:46,769,860, C>G on the plus strand (G>C on the coding strand, the complement: WNT3 is on the minus strand). VCF-style: chr17-46769860-C-G. GRCh37 (hg19) VCF-style: chr17-44847226-C-G.
Other names: short protein forms E171Q.
Identifiers: ClinVar variation 1516851 (VCV001516851.8), dbSNP rs2146374810, ClinGen allele CA400010717.

ClinVar aggregate classification (germline): Uncertain significance (1 of 4 stars; one submission).

Submission:

Labcorp Genetics (formerly Invitae), Labcorp
Classification: Uncertain significance. Last evaluated: 2021-04-07. Review status: criteria provided, single submitter. Criteria: Invitae Variant Classification Sherloc (09022015). Collection method: clinical testing. Allele origin: germline.
Comment: This sequence change replaces glutamic acid with glutamine at codon 171 of the WNT3 protein (p.Glu171Gln). The glutamic acid residue is highly conserved and there is a small physicochemical difference between glutamic acid and glutamine. In summary, the available evidence is currently insufficient to determine the role of this variant in disease. Therefore, it has been classified as a Variant of Uncertain Significance. Algorithms developed to predict the effect of missense changes on protein structure and function are either unavailable or do not agree on the potential impact of this missense change (SIFT: "Deleterious"; PolyPhen-2: "Benign"; Align-GVGD: "Class C25"). This variant has not been reported in the literature in individuals with WNT3-related conditions. This variant is not present in population databases (ExAC no frequency).